The following is an entry in ClinVar:

Conditions:
Severe myoclonic epilepsy in infancy (DRVT). Also called: Epileptic encephalopathy, early infantile, 6 (Dravet syndrome); Dravet syndrome; SEVERE MYOCLONIC EPILEPSY OF INFANCY; DEVELOPMENTAL AND EPILEPTIC ENCEPHALOPATHY 6A; Severe Myoclonic Epilepsy in Infancy (SMEI). Identifiers: Orphanet 33069, MedGen C0751122, MONDO:0100135, OMIM 607208.

Submission:

Channelopathy-Associated Epilepsy Research Center
No classification provided (evidence only). Condition: Severe myoclonic epilepsy in infancy. Review status: no classification provided. Collection method: literature only. Allele origin: not applicable. Functional consequence: Normal peak current, Normal voltage dependence of activation, Normal slope of activation, Normal voltage dependence of fast inactivation, Normal slope of fast inactivation, Normal persistent current, Mild-moderate slowing of recovery from fast inactivation, Overall loss-of-function effect with respect to biophysical channel activity.
ClinVar note: "not provided" was previously submitted as the classification for the variant. However, the classification appeared to be based only on an observation of functional data so it was converted to no classification on 2025-07-30.

Literature cited by the submitters: PubMed 32581296.

NM_001165963.4(SCN1A):c.234G>C (p.Glu78Asp)

Gene: SCN1A (sodium voltage-gated channel alpha subunit 1; minus strand). Cytogenetic location: 2q24.3.
Variant type: single nucleotide variant.
Coding change: c.234G>C on transcript NM_001165963.4 (MANE Select); coding-DNA position 234, G replaced by C.
Protein change: p.Glu78Asp; replaces glutamic acid 78 with aspartic acid.
Molecular consequence: missense variant. On other transcripts: 5 prime UTR variant (1), non-coding transcript variant (1).
Genome position (GRCh38, 1-based): chr2:166,073,388, C>G on the plus strand (G>C on the coding strand, the complement: SCN1A is on the minus strand). VCF-style: chr2-166073388-C-G. GRCh37 (hg19) VCF-style: chr2-166929898-C-G.
Other names: c.234G>C, p.Glu78Asp (NM_001165964.3, NM_001202435.3, NM_001353948.2 and 10 more transcripts); c.-2192G>C (NM_001353961.2); short protein forms E78D.
Identifiers: ClinVar variation 3067173 (VCV003067173.2), dbSNP rs121917933, ClinGen allele CA349242714.
Genomic context (GRCh38, chr2:166,073,388, plus strand): 5'-AGCAAAATATGCCTGATAAAAAACACTCACTTTCTTATTGATATAGTAGGGGTCCAGGTC[C>G]TCCAGGGGCTCTGACACCATCTCTGGAGGAATGTCTCCATAAATAAATGGAAGGTTCTTT-3'
Protein context (NP_001159435.1, residues 68-88): IPPEMVSEPL[Glu78Asp]DLDPYYINKK